The following is an entry in ClinVar:

ClinVar aggregate classification (germline): Likely benign. Review status: criteria provided, multiple submitters, no conflicts (2 of 4 stars). 6 submissions from 6 submitters: Likely benign (6). Last evaluated 2025-11-18.

Conditions:
Wilson disease (WND). Also called: Wilson's disease. Identifiers: Orphanet 905, MedGen C0019202, MONDO:0010200, OMIM 277900. Disease mechanism: loss of function.

Allele frequency attached by ClinVar (database versions not stated): TOPMed 0.00001; gnomAD 0.00003.
gnomAD v4.1: 50 of 1,613,880 alleles (0.0031%); highest among the groups gnomAD compares: Middle Eastern, 0.016%; no homozygotes.

Submissions (6):

Labcorp Genetics (formerly Invitae), Labcorp
Classification: Likely benign for Wilson disease. Last evaluated: 2025-11-18. Review status: criteria provided, single submitter. Criteria: Invitae Variant Classification Sherloc (09022015). Collection method: clinical testing. Allele origin: germline.

Women's Health and Genetics/Laboratory Corporation of America, LabCorp
Classification: Likely benign. Last evaluated: 2024-12-06. Review status: criteria provided, single submitter. Criteria: LabCorp Variant Classification Summary - May 2015. Collection method: clinical testing. Allele origin: germline.

Blueprint Genetics
Classification: Likely benign. Last evaluated: 2024-07-01. Review status: criteria provided, single submitter. Criteria: ACMG Guidelines, 2015. Collection method: clinical testing. Allele origin: germline.

ARUP Laboratories, Molecular Genetics and Genomics, ARUP Laboratories
Classification: Likely benign for Wilson disease. Last evaluated: 2024-03-06. Review status: criteria provided, single submitter. Criteria: ARUP Molecular Germline Variant Investigation Process 2024. Collection method: clinical testing. Allele origin: germline.

All of Us Research Program, National Institutes of Health
Classification: Likely benign for Wilson disease. Last evaluated: 2023-12-01. Review status: criteria provided, single submitter. Criteria: ACMG Guidelines, 2015. Collection method: clinical testing. Allele origin: germline. Inheritance: Autosomal recessive inheritance. Observed: 6 variant alleles, 6 heterozygotes.
Comment: This study involves interpretation of variants in research participants for the purpose of population health screening. Participant phenotype was not available at the time of variant classification. Additional details can be found in publication PMID: 35346344, PMCID: PMC8962531

Color Diagnostics, LLC DBA Color Health
Classification: Likely benign for Wilson disease. Last evaluated: 2022-06-27. Review status: criteria provided, single submitter. Criteria: ACMG Guidelines, 2015. Collection method: clinical testing. Allele origin: germline.

NM_000053.4(ATP7B):c.2127C>T (p.Leu709=)

Gene: ATP7B (ATPase copper transporting beta; minus strand). Cytogenetic location: 13q14.3.
Variant type: single nucleotide variant.
Coding change: c.2127C>T on transcript NM_000053.4 (MANE Select); coding-DNA position 2127, C replaced by T.
Protein change: p.Leu709=; no amino-acid change (leucine 709 retained).
Molecular consequence: synonymous variant. On other transcripts: intron variant (2).
Genome position (GRCh38, 1-based): chr13:51,958,539, G>A on the plus strand (C>T on the coding strand, the complement: ATP7B is on the minus strand). VCF-style: chr13-51958539-G-A. GRCh37 (hg19) VCF-style: chr13-52532675-G-A.
Other names: c.1794C>T, p.Leu598= (NM_001243182.2); c.1875C>T, p.Leu625= (NM_001330579.2); c.1870-932C>T (NM_001005918.3); c.2122-932C>T (NM_001330578.2).
Identifiers: ClinVar variation 994376 (VCV000994376.20), dbSNP rs780843377, ClinGen allele CA6989101.